The following is an entry in ClinVar:

NM_032043.3(BRIP1):c.2905+1G>C

Gene: BRIP1 (BRCA1 interacting DNA helicase 1; minus strand). Cytogenetic location: 17q23.2.
Variant type: single nucleotide variant.
Coding change: c.2905+1G>C on transcript NM_032043.3 (MANE Select); the canonical splice donor site of the intron after coding-DNA position 2905, G replaced by C.
Molecular consequence: splice donor variant.
Genome position (GRCh38, 1-based): chr17:61,685,835, C>G on the plus strand (G>C on the coding strand, the complement: BRIP1 is on the minus strand). VCF-style: chr17-61685835-C-G. GRCh37 (hg19) VCF-style: chr17-59763196-C-G.
Identifiers: ClinVar variation 1797493 (VCV001797493.4), dbSNP rs876660203, ClinGen allele CA400481089.
Genomic context (GRCh38, chr17:61,685,835, plus strand): 5'-ATTTCACTAAATATAATGAAAGACTTCTCTATCAAAGGTAAATGGGAAGAACTTTTCATA[C>G]TTTTCTCCTTTCTGGAGATAATGCTACTTGGTAGAGGTGAATTTTTGGTAATAATTTTAG-3'

ClinVar aggregate classification (germline): Likely pathogenic. Review status: criteria provided, multiple submitters, no conflicts (2 of 4 stars). 3 submissions from 3 submitters: Likely pathogenic (3). Last evaluated 2024-11-27.

Conditions:
Hereditary cancer-predisposing syndrome. Also called: Neoplastic Syndromes, Hereditary; Tumor predisposition; Hereditary Cancer Syndrome; Hereditary neoplastic syndrome. Identifiers: Orphanet 140162, MedGen C0027672, MeSH D009386, MONDO:0015356.
Hereditary breast ovarian cancer syndrome. Also called: Hereditary breast and/or ovarian cancer syndrome; Hereditary breast and ovarian cancer; Hereditary breast and ovarian cancer syndrome (HBOC); Hereditary breast and ovarian cancer syndrome; Breast and ovarian cancer; BRCA1- and BRCA2-Associated Hereditary Breast and Ovarian Cancer. Identifiers: Orphanet 145, MedGen C0677776, MeSH D061325, MONDO:0003582. Disease mechanism: loss of function.

Submissions (3):

Institute for Genomic Medicine (IGM) Clinical Laboratory, Nationwide Children's Hospital
Classification: Likely pathogenic for Hereditary cancer-predisposing syndrome. Last evaluated: 2024-11-27. Review status: criteria provided, single submitter. Criteria: ACMG Guidelines, 2015. Collection method: clinical testing. Allele origin: germline.
Comment: This variant is predicted to result in loss of function through nonsense-mediated decay of the encoded transcript or premature truncation of the encoded protein in a gene in which loss of function is a known mechanism of disease (ACMG/AMP: PVS1; PMIDs:18628483, 21345144, 29368626). This variant is absent from or present at an exceedingly low frequency in gnomAD, a large-scale control population database (ACMG/AMP: PM2).

Women's Health and Genetics/Laboratory Corporation of America, LabCorp
Classification: Likely pathogenic for Hereditary breast ovarian cancer syndrome. Last evaluated: 2024-08-09. Review status: criteria provided, single submitter. Criteria: LabCorp Variant Classification Summary - May 2015. Collection method: clinical testing. Allele origin: germline.
Comment: Variant summary: BRIP1 c.2905+1G>C is located in a canonical splice-site and is predicted to affect mRNA splicing resulting in a significantly altered protein due to either exon skipping, shortening, or inclusion of intronic material. Variants that disrupt the consensus splice site are a relatively common cause of aberrant splicing and loss of BRIP1 function. Several computational tools predict a significant impact on normal splicing: Two predict the variant abolishes a 5' splicing donor site. However, these predictions have yet to be confirmed by functional studies. The variant was absent in 248690 control chromosomes. To our knowledge, no occurrence of c.2905+1G>C in individuals affected with BRIP1-related conditions and no experimental evidence demonstrating its impact on protein function have been reported. However, a downstream truncating variant has been classifed as Pathogenic by our lab (p.Thr997ArgfsX61), suggesting that loss of this region is deleterious. ClinVar contains an entry for this variant (Variation ID: 1797493). Based on the evidence outlined above, the variant was classified as likely pathogenic.

Ambry Genetics
Classification: Likely pathogenic for Hereditary cancer-predisposing syndrome. Last evaluated: 2021-08-30. Review status: criteria provided, single submitter. Criteria: Ambry Variant Classification Scheme 2023. Collection method: clinical testing. Allele origin: germline.
Comment: The c.2905+1G>C intronic variant results from a G to C substitution one nucleotide after coding exon 18 of the BRIP1 gene. This nucleotide position is highly conserved in available vertebrate species. In silico splice site analysis predicts that this alteration will weaken the native splice donor site; however, direct evidence is insufficient at this time (Ambry internal data). The resulting transcript is predicted to be in-frame and is not expected to trigger nonsense-mediated mRNAdecay. The exact functional effect of the altered amino acid sequence is unknown; however, the impacted region is critical for protein function (Ambry internal data). Based on the majority of available evidence to date, this variant is likely to be pathogenic.

Literature cited by the submitters: PubMed 18628483 (cited by Institute for Genomic Medicine (IGM) Clinical Laboratory, Nationwide Children's Hospital); PubMed 21345144 (cited by Institute for Genomic Medicine (IGM) Clinical Laboratory, Nationwide Children's Hospital); PubMed 29368626 (cited by Institute for Genomic Medicine (IGM) Clinical Laboratory, Nationwide Children's Hospital).